The following is an entry in ClinVar:

NM_022128.3(RBKS):c.281del (p.Ser94fs)

Gene: RBKS (ribokinase; minus strand). Cytogenetic location: 2p23.2.
Variant type: Deletion.
Coding change: c.281del on transcript NM_022128.3 (MANE Select); coding-DNA position 281, one base deleted (C; older notation c.281delC).
Protein change: p.Ser94fs; shifts the reading frame from serine 94.
Molecular consequence: frameshift variant.
Genome position (GRCh38, 1-based): chr2:27,848,039, G deleted on the plus strand (C on the coding strand, the reverse complement: RBKS is on the minus strand). VCF-style (leftmost placement, unchanged base first): chr2-27848038-AG-A. GRCh37 (hg19) VCF-style: chr2-28070905-AG-A.
Other names: c.80del, p.Ser27fs (NM_001287580.2); short protein forms S27fs, S94fs.
Identifiers: ClinVar variation 4880047 (VCV004880047.1).

ClinVar aggregate classification (germline): Pathogenic (1 of 4 stars; one submission).

Conditions:
Primary ciliary dyskinesia. Also called: Ciliary dyskinesia. Identifiers: Orphanet 244, MedGen C0008780, MONDO:0016575, HP:0012265.

Submission:

Department of Human Genetics, Hannover Medical School
Classification: Pathogenic for Primary Ciliary Dyskinesia. Last evaluated: 2026-04-01. Review status: criteria provided, single submitter. Criteria: ACMG Guidelines, 2015. Collection method: research. Allele origin: germline. Affected: no.
Comment: Classification performed by HerediClassify using the following criteria:['PM2_supporting: Variant occures does not occur as homozygous in gnomAD.', 'PVS1_protein_very_strong: Transcript ENST00000302188 is predicted to undergo NMD.', "PP4_moderate: The PICADAR socre of 6.0 exceeds threshold of 6 achieving 'moderate' evidence strength."]